The following is an entry in ClinVar:

ClinVar aggregate classification (germline): Benign/Likely benign. Review status: criteria provided, multiple submitters, no conflicts (2 of 4 stars). 5 submissions from 5 submitters: Benign (1); Likely benign (4). Last evaluated 2025-08-11.

Conditions:
Hereditary cancer-predisposing syndrome. Also called: Hereditary Cancer Syndrome; Neoplastic Syndromes, Hereditary; Tumor predisposition; Hereditary neoplastic syndrome. Identifiers: Orphanet 140162, MedGen C0027672, MeSH D009386, MONDO:0015356.
Fanconi anemia complementation group O. Also called: RAD51C-Related Fanconi Anemia. Identifiers: Orphanet 84, MedGen C3150653, MONDO:0013248, OMIM 613390.
Breast-ovarian cancer, familial, susceptibility to, 3. Also called: RAD51C-Related Breast/Ovarian Cancer. Identifiers: Orphanet 145, MedGen C3150659, MONDO:0013253, OMIM 613399.

Submissions (5):

Labcorp Genetics (formerly Invitae), Labcorp
Classification: Likely benign for Fanconi anemia complementation group O. Last evaluated: 2025-08-11. Review status: criteria provided, single submitter. Criteria: Invitae Variant Classification Sherloc (09022015). Collection method: clinical testing. Allele origin: germline.

Myriad Genetics, Inc.
Classification: Benign for Breast-ovarian cancer, familial, susceptibility to, 3. Last evaluated: 2025-02-14. Review status: criteria provided, single submitter. Criteria: Myriad Autosomal Dominant, Autosomal Recessive and X-Linked Classification Criteria (2023). Collection method: clinical testing. Allele origin: unknown.
Comment: This variant is considered benign. This variant is a silent/synonymous amino acid change and it is not expected to impact splicing.

GeneDx
Classification: Likely benign. Last evaluated: 2019-05-20. Review status: criteria provided, single submitter. Criteria: GeneDx Variant Classification Process June 2021. Collection method: clinical testing. Allele origin: germline. Affected: yes.
Comment: Not observed in large population cohorts (Lek et al., 2016)

Color Diagnostics, LLC DBA Color Health
Classification: Likely benign for Hereditary cancer-predisposing syndrome. Last evaluated: 2017-05-10. Review status: criteria provided, single submitter. Criteria: ACMG Guidelines, 2015. Collection method: clinical testing. Allele origin: germline.

Ambry Genetics
Classification: Likely benign for Hereditary cancer-predisposing syndrome. Last evaluated: 2015-06-25. Review status: criteria provided, single submitter. Criteria: Ambry Variant Classification Scheme 2023. Collection method: clinical testing. Allele origin: germline.

NM_058216.3(RAD51C):c.336G>C (p.Gly112=)

Gene: RAD51C (RAD51 paralog C; plus strand). Cytogenetic location: 17q22.
Variant type: single nucleotide variant.
Coding change: c.336G>C on transcript NM_058216.3 (MANE Select); coding-DNA position 336, G replaced by C.
Protein change: p.Gly112=; no amino-acid change (glycine 112 retained).
Molecular consequence: synonymous variant. On other transcripts: non-coding transcript variant (2).
Genome position (GRCh38, 1-based): chr17:58,695,121, G>C. VCF-style: chr17-58695121-G-C. GRCh37 (hg19) VCF-style: chr17-56772482-G-C.
Other names: c.336G>C, p.Gly112= (NM_002876.4).
Identifiers: ClinVar variation 232667 (VCV000232667.22), dbSNP rs746122031, ClinGen allele CA10580733.